The following is an entry in ClinVar:

NM_021971.4(GMPPB):c.210G>A (p.Arg70=)

Gene: GMPPB (GDP-mannose pyrophosphorylase B; minus strand). Cytogenetic location: 3p21.31.
Variant type: single nucleotide variant.
Coding change: c.210G>A on transcript NM_021971.4 (MANE Select); coding-DNA position 210, G replaced by A.
Protein change: p.Arg70=; no amino-acid change (arginine 70 retained).
Molecular consequence: synonymous variant.
Genome position (GRCh38, 1-based): chr3:49,723,392, C>T on the plus strand (G>A on the coding strand, the complement: GMPPB is on the minus strand). VCF-style: chr3-49723392-C-T. GRCh37 (hg19) VCF-style: chr3-49760825-C-T.
Other names: c.210G>A (NM_013334.2); c.210G>A, p.Arg70= (NM_013334.4).
Identifiers: ClinVar variation 432392 (VCV000432392.7), dbSNP rs201795833, ClinGen allele CA2405657.

ClinVar aggregate classification (germline): Uncertain significance. Review status: criteria provided, multiple submitters, no conflicts (2 of 4 stars). 3 submissions from 3 submitters: Uncertain significance (3). Last evaluated 2022-10-25.

Conditions:
Inborn genetic diseases. Identifiers: MedGen C0950123, MeSH D030342.
Muscular dystrophy-dystroglycanopathy (congenital with brain and eye anomalies), type A14. Also called: WALKER-WARBURG SYNDROME OR MUSCLE-EYE-BRAIN DISEASE, GMPPB-RELATED; Muscular dystrophy-dystroglycanopathy (congenital with brain and eye anomalies), type a, 14; Congenital Muscular Dystrophy-Dystroglycanopathy with Brain and Eye Anomalies Type A 14; Congenital muscular dystrophy-dystroglycanopathy with brain and eye anomalies, type A14. Identifiers: Orphanet 588, MedGen C3809216, MONDO:0014140, OMIM 615350.
Muscular dystrophy-dystroglycanopathy (congenital with impaired intellectual development), type B, 14. Also called: Muscular dystrophy-dystroglycanopathy (congenital with intellectual disability), type B14; MUSCULAR DYSTROPHY, CONGENITAL, GMPPB-RELATED; Congenital muscular dystrophy-dystroglycanopathy with mental retardation, type B14. Identifiers: MedGen C3809221, MONDO:0014141, OMIM 615351.
Autosomal recessive limb-girdle muscular dystrophy type 2T. Also called: MUSCULAR DYSTROPHY-DYSTROGLYCANOPATHY, LIMB-GIRDLE, GMPPB-RELATED; MUSCULAR DYSTROPHY, LIMB-GIRDLE, TYPE 2T; Muscular dystrophy-dystroglycanopathy (limb-girdle), type c, 14; Limb-girdle muscular dystrophy-dystroglycanopathy, type C14. Identifiers: Orphanet 363623, MedGen C4518000, MONDO:0014142, OMIM 615352.

Allele frequency attached by ClinVar (database versions not stated): TOPMed 0.00001; 1000 Genomes Project 0.00040; gnomAD exomes 0.00004 and 0.00001; gnomAD 0.00003 and 0.00001; 1000 Genomes Project 30x 0.00047; ExAC 0.00007.

Submissions (3):

Labcorp Genetics (formerly Invitae), Labcorp
Classification: Uncertain significance for Autosomal recessive limb-girdle muscular dystrophy type 2T; Muscular dystrophy-dystroglycanopathy (congenital with brain and eye anomalies), type A14; Muscular dystrophy-dystroglycanopathy (congenital with impaired intellectual development), type B, 14. Last evaluated: 2022-10-25. Review status: criteria provided, single submitter. Criteria: Invitae Variant Classification Sherloc (09022015). Collection method: clinical testing. Allele origin: germline.
Comment: This sequence change affects codon 70 of the GMPPB mRNA. It is a 'silent' change, meaning that it does not change the encoded amino acid sequence of the GMPPB protein. This variant also falls at the last nucleotide of exon 2, which is part of the consensus splice site for this exon. This variant is present in population databases (rs201795833, gnomAD 0.03%). This variant has not been reported in the literature in individuals affected with GMPPB-related conditions. ClinVar contains an entry for this variant (Variation ID: 432392). Variants that disrupt the consensus splice site are a relatively common cause of aberrant splicing (PMID: 17576681, 9536098). Algorithms developed to predict the effect of sequence changes on RNA splicing suggest that this variant may disrupt the consensus splice site. In summary, the available evidence is currently insufficient to determine the role of this variant in disease. Therefore, it has been classified as a Variant of Uncertain Significance.

Ambry Genetics
Classification: Uncertain significance for Inborn genetic diseases. Last evaluated: 2020-12-10. Review status: criteria provided, single submitter. Criteria: Ambry Variant Classification Scheme 2023. Collection method: clinical testing. Allele origin: germline.
Comment: Occurs in the last base pair of the exon Based on insufficient or conflicting evidence, the clinical significance of this alteration remains unclear.

GeneDx
Classification: Uncertain significance. Last evaluated: 2020-04-08. Review status: criteria provided, single submitter. Criteria: GeneDx Variant Classification Process June 2021. Collection method: clinical testing. Allele origin: germline. Affected: yes.
Comment: In silico analysis supports that this missense variant has a deleterious effect on protein structure/function; Has not been previously published as pathogenic or benign to our knowledge

Literature cited by the submitters: PubMed 17576681 (cited by Labcorp Genetics (formerly Invitae), Labcorp); PubMed 9536098 (cited by Labcorp Genetics (formerly Invitae), Labcorp).